The following is an entry in ClinVar:

NM_001379286.1(ZNF423):c.147G>A (p.Ala49=)

Gene: ZNF423 (zinc finger protein 423; minus strand). Cytogenetic location: 16q12.1.
Variant type: single nucleotide variant.
Coding change: c.147G>A on transcript NM_001379286.1 (MANE Select); coding-DNA position 147, G replaced by A.
Protein change: p.Ala49=; no amino-acid change (alanine 49 retained).
Molecular consequence: synonymous variant. On other transcripts: 5 prime UTR variant (1).
Genome position (GRCh38, 1-based): chr16:49,730,925, C>T on the plus strand (G>A on the coding strand, the complement: ZNF423 is on the minus strand). VCF-style: chr16-49730925-C-T. GRCh37 (hg19) VCF-style: chr16-49764836-C-T.
Other names: c.123G>A (NM_015069.4); c.-58G>A (NM_001271620.2); c.123G>A, p.Ala41= (NM_015069.5).
Identifiers: ClinVar variation 787300 (VCV000787300.9), dbSNP rs566780634, ClinGen allele CA8046948.

ClinVar aggregate classification (germline): Likely benign. Review status: criteria provided, multiple submitters, no conflicts (2 of 4 stars). 2 submissions from 2 submitters: Likely benign (2). Last evaluated 2025-03-14.

Conditions:
Nephronophthisis 14 (NPHP14). Identifiers: Orphanet 2318, MedGen C3539071, MONDO:0013916, OMIM 614844.
ZNF423-related disorder. Also called: ZNF423-related condition.

Allele frequency attached by ClinVar (database versions not stated): TOPMed 0.00001; ExAC 0.00002; gnomAD exomes 0.00002.
gnomAD v4.1: 29 of 1,614,186 alleles (0.0018%); highest among the groups gnomAD compares: African/African-American, 0.0067%; no homozygotes.

Submissions (2):

PreventionGenetics, part of Exact Sciences
Classification: Likely benign for ZNF423-related condition. Last evaluated: 2025-03-14. Review status: criteria provided, single submitter. Criteria: ACMG Guidelines, 2015. Collection method: clinical testing. Allele origin: germline.
Comment: This variant is classified as likely benign based on ACMG/AMP sequence variant interpretation guidelines (Richards et al. 2015 PMID: 25741868, with internal and published modifications).

Labcorp Genetics (formerly Invitae), Labcorp
Classification: Likely benign for Nephronophthisis 14. Last evaluated: 2023-10-11. Review status: criteria provided, single submitter. Criteria: Invitae Variant Classification Sherloc (09022015). Collection method: clinical testing. Allele origin: germline.